The following is an entry in ClinVar:

ClinVar aggregate classification (germline): Pathogenic/Likely pathogenic. Review status: criteria provided, multiple submitters, no conflicts (2 of 4 stars). 5 submissions from 5 submitters: Pathogenic (4); Likely pathogenic (1). Last evaluated 2025-12-17.

Conditions:
Factor V deficiency. Also called: Reduced coagulation factor V activity. Identifiers: Orphanet 326, MedGen C4317320, MONDO:0020586, HP:0003225.
F5-related disorders.
F5-related disorder. Also called: F5-related condition.
Congenital factor V deficiency. Also called: Hereditary factor V deficiency disease; LABILE FACTOR DEFICIENCY; OWREN PARAHEMOPHILIA; PARAHEMOPHILIA. Identifiers: Orphanet 326, MedGen C0015499, MONDO:0009210, OMIM 227400.

Allele frequency attached by ClinVar (database versions not stated): TOPMed below 0.00001.
gnomAD v4.1: 33 of 1,614,086 alleles (0.002%); highest among the groups gnomAD compares: Non-Finnish European, 0.0024%; no homozygotes.

Submissions (5):

Dasa
Classification: Pathogenic. Last evaluated: 2025-12-17. Review status: criteria provided, single submitter. Criteria: DASA Assertion Criteria. Collection method: clinical testing. Allele origin: germline.
Comment: NM_000130.5(F5):c.2218C>T (p.Arg740*) introduces a premature termination codon predicted to result in loss of normal protein function. Loss-of-function is an established mechanism of disease for this gene. This variant has been observed in affected individuals with related phenotype in a genotype context consistent with recessive disease (PMID: 31399523; PMID: 3457586). This variant has been recurrently observed in individuals with related phenotype (PMID: 31399523; PMID: 3457586). The variant is present at low frequency in population datasets. Based on the available data, this variant is classified as pathogenic.

PreventionGenetics, part of Exact Sciences
Classification: Pathogenic for F5-related condition. Last evaluated: 2025-08-21. Review status: criteria provided, single submitter. Criteria: ACMG Guidelines, 2015. Collection method: clinical testing. Allele origin: germline.
Comment: The F5 c.2218C>T variant is predicted to result in premature protein termination (p.Arg740*). This variant has been reported in the compound heterozygous state in individuals with severe factor V deficiency (Paraboschi et al. 2019. PubMed ID: 31399523; Montefusco et al. 2003. PubMed ID: 12816860). This variant has not been reported in a large population database (gnomAD), indicating this variant is rare. Nonsense variants in F5 are expected to be pathogenic. This variant is interpreted as pathogenic.

Labcorp Genetics (formerly Invitae), Labcorp
Classification: Pathogenic for Congenital factor V deficiency. Last evaluated: 2023-01-20. Review status: criteria provided, single submitter. Criteria: Invitae Variant Classification Sherloc (09022015). Collection method: clinical testing. Allele origin: germline.
Comment: For these reasons, this variant has been classified as Pathogenic. ClinVar contains an entry for this variant (Variation ID: 293622). This premature translational stop signal has been observed in individual(s) with clinical features of autosomal recessive factor V deficiency (PMID: 9694743, 31399523, 34575869). This variant is not present in population databases (gnomAD no frequency). This sequence change creates a premature translational stop signal (p.Arg740*) in the F5 gene. It is expected to result in an absent or disrupted protein product. Loss-of-function variants in F5 are known to be pathogenic (PMID: 30924984).

Blueprint Genetics
Classification: Pathogenic for F5-related disorders. Last evaluated: 2022-05-20. Review status: criteria provided, single submitter. Criteria: ACMG Guidelines, 2015. Collection method: clinical testing. Allele origin: germline. Affected: yes. Observed: 2 variant alleles.

Illumina Laboratory Services, Illumina
Classification: Likely pathogenic for Congenital factor V deficiency. Last evaluated: 2017-04-27. Review status: criteria provided, single submitter. Criteria: ICSL Variant Classification Criteria 09 May 2019. Collection method: clinical testing. Allele origin: germline.
Comment: The F5 c.2218C>T (p.Arg740Ter) variant, also referred to as c.2308C>T (p.Arg712Ter), is a stop-gained variant that is predicted to result in premature termination of the protein. The p.Arg740Ter variant has been reported in three studies in which it is found in a compound heterozygous state in three individuals with factor V deficiency (Lunghi et al. 1998; Montefusco et al. 2003; Segers et al. 2012). Two of these individuals also carried the factor V Leiden variant and were classified as having pseudo-homozygous activated protein C (APC) resistance; factor V deficiency was also observed in these individuals (Lunghi et al. 1998; Segers et al. 2012). The p.Arg740Ter variant was also detected in one of the probands' son (affected status unknown) and in an unrelated individual who had reduced factor V levels (Lunghi et al. 1998). The variant was also found in two unaffected relatives in a heterozygous state (Montefusco et al. 2003). Control data are unavailable for this variant, which is not found in the 1000 Genomes Project, the Exome Sequencing Project, or the Exome Aggregation Consortium. Based on the evidence and the potential impact of stop-gained variants, the p.Arg740Ter variant is classified as likely pathogenic for Factor V deficiency. This variant was observed by ICSL as part of a predisposition screen in an ostensibly healthy population.

Literature cited by the submitters: PubMed 31399523 (cited by Dasa and Labcorp Genetics (formerly Invitae), Labcorp); PubMed 3457586 (cited by Dasa); PubMed 9694743 (cited by Labcorp Genetics (formerly Invitae), Labcorp and Illumina Laboratory Services, Illumina); PubMed 34575869 (cited by Labcorp Genetics (formerly Invitae), Labcorp); PubMed 30924984 (cited by Labcorp Genetics (formerly Invitae), Labcorp); PubMed 12816860 (cited by Illumina Laboratory Services, Illumina); PubMed 22044617 (cited by Illumina Laboratory Services, Illumina).

NM_000130.5(F5):c.2218C>T (p.Arg740Ter)

Gene: F5 (coagulation factor V; minus strand). Cytogenetic location: 1q24.2.
Variant type: single nucleotide variant.
Coding change: c.2218C>T on transcript NM_000130.5 (MANE Select); coding-DNA position 2218, C replaced by T.
Protein change: p.Arg740Ter; replaces arginine 740 with a stop codon.
Molecular consequence: nonsense.
Genome position (GRCh38, 1-based): chr1:169,542,872, G>A on the plus strand (C>T on the coding strand, the complement: F5 is on the minus strand). VCF-style: chr1-169542872-G-A. GRCh37 (hg19) VCF-style: chr1-169512110-G-A.
Other names: short protein forms R740*.
Identifiers: ClinVar variation 293622 (VCV000293622.11), dbSNP rs757953549, ClinGen allele CA10608192.